The following is an entry in ClinVar:

ClinVar aggregate classification (germline): Pathogenic (1 of 4 stars; one submission).

Conditions:
Hereditary breast ovarian cancer syndrome. Also called: Hereditary breast and ovarian cancer; Hereditary breast and ovarian cancer syndrome; BRCA1- and BRCA2-Associated Hereditary Breast and Ovarian Cancer; Hereditary breast and ovarian cancer syndrome (HBOC); Breast and ovarian cancer; Hereditary breast and/or ovarian cancer syndrome. Identifiers: Orphanet 145, MedGen C0677776, MeSH D061325, MONDO:0003582. Disease mechanism: loss of function.

Submission:

Labcorp Genetics (formerly Invitae), Labcorp
Classification: Pathogenic for Hereditary breast ovarian cancer syndrome. Last evaluated: 2024-03-19. Review status: criteria provided, single submitter. Criteria: Invitae Variant Classification Sherloc (09022015). Collection method: clinical testing. Allele origin: germline.
Comment: This sequence change creates a premature translational stop signal (p.Asn517Metfs*8) in the BRCA2 gene. It is expected to result in an absent or disrupted protein product. Loss-of-function variants in BRCA2 are known to be pathogenic (PMID: 20104584). This variant is not present in population databases (gnomAD no frequency). This variant has not been reported in the literature in individuals affected with BRCA2-related conditions. ClinVar contains an entry for this variant (Variation ID: 646710). For these reasons, this variant has been classified as Pathogenic.

Literature cited by the submitters: PubMed 20104584.

NM_000059.4(BRCA2):c.1550del (p.Asn517fs)

Gene: BRCA2 (BRCA2 DNA repair associated; plus strand). Cytogenetic location: 13q13.1.
Variant type: Deletion.
Coding change: c.1550del on transcript NM_000059.4 (MANE Select); coding-DNA position 1550, one base deleted (A; older notation c.1550delA).
Protein change: p.Asn517fs; shifts the reading frame from asparagine 517.
Molecular consequence: frameshift variant.
Genome position (GRCh38, 1-based): chr13:32,333,028, A deleted; the last of 2 consecutive A bases (chr13:32,333,027-32,333,028); deleting either gives the same sequence. VCF-style (leftmost placement, unchanged base first): chr13-32333026-CA-C. GRCh37 (hg19) VCF-style: chr13-32907163-CA-C.
Other names: c.1550delA (NM_000059.3); short protein forms N517fs.
Identifiers: ClinVar variation 646710 (VCV000646710.7), dbSNP rs1593893206, ClinGen allele CA915946964.
Genomic context (GRCh38, chr13:32,333,026, plus strand): 5'-TTCATTTCAGGGTATCAAAAAGTCTATATTCAGAATAAGAGAATCACCTAAAGAGACTTT[CA>C]ATGCAAGTTTTTCAGGTCATATGACTGATCCAAACTTTAAAAAAGAAACTGAAGCCTCTG-3'